The following is an entry in ClinVar:

ClinVar aggregate classification (germline): Pathogenic (1 of 4 stars; one submission).

Conditions:
Developmental and epileptic encephalopathy, 54. Also called: HNRNPU-Related Neurodevelopmental Disorder; Epileptic encephalopathy, early infantile, 54. Identifiers: MedGen C4479319, MONDO:0033363, OMIM 617391.

Submission:

Labcorp Genetics (formerly Invitae), Labcorp
Classification: Pathogenic for Developmental and epileptic encephalopathy, 54. Last evaluated: 2019-10-24. Review status: criteria provided, single submitter. Criteria: Invitae Variant Classification Sherloc (09022015). Collection method: clinical testing. Allele origin: germline.
Comment: Loss-of-function variants in HNRNPU are known to be pathogenic (PMID: 22678713, 28283832). This sequence change creates a premature translational stop signal (p.Glu498Valfs*4) in the HNRNPU gene. It is expected to result in an absent or disrupted protein product. This variant is not present in population databases (ExAC no frequency). This variant has not been reported in the literature in individuals with HNRNPU-related conditions. For these reasons, this variant has been classified as Pathogenic.

Literature cited by the submitters: PubMed 22678713; PubMed 28283832.

NM_031844.3(HNRNPU):c.1491_1492dup (p.Glu498fs)

Gene: HNRNPU (heterogeneous nuclear ribonucleoprotein U; minus strand). Cytogenetic location: 1q44.
Variant type: Microsatellite.
Coding change: c.1491_1492dup on transcript NM_031844.3 (MANE Select); coding-DNA positions 1491 to 1492, 2 bases duplicated (TG; older notation c.1491_1492dupTG).
Protein change: p.Glu498fs; shifts the reading frame from glutamic acid 498.
Molecular consequence: frameshift variant.
Genome position (GRCh38, 1-based): chr1:244,858,013-244,858,014, CA duplicated on the plus strand (TG on the coding strand, the reverse complement: HNRNPU is on the minus strand); duplicating any 2 consecutive bases within chr1:244,858,013-244,858,016 gives the same sequence; the c. name uses the placement nearest the transcript's 3' end. VCF-style (leftmost placement, unchanged base first): chr1-244858012-T-TCA. GRCh37 (hg19) VCF-style: chr1-245021314-T-TCA.
Other names: c.1434_1435dup, p.Glu479fs (NM_004501.3); short protein forms E498fs, E479fs.
Identifiers: ClinVar variation 961938 (VCV000961938.8), dbSNP rs1680725785, ClinGen allele CA1230998582.